The following is an entry in ClinVar:

NM_031407.7(HUWE1):c.1586G>A (p.Arg529Gln)

Gene: HUWE1 (HECT, UBA and WWE domain containing E3 ubiquitin protein ligase 1; minus strand). Cytogenetic location: Xp11.22.
Variant type: single nucleotide variant.
Coding change: c.1586G>A on transcript NM_031407.7 (MANE Select); coding-DNA position 1586, G replaced by A.
Protein change: p.Arg529Gln; replaces arginine 529 with glutamine.
Molecular consequence: missense variant.
Genome position (GRCh38, 1-based): chrX:53,625,162, C>T on the plus strand (G>A on the coding strand, the complement: HUWE1 is on the minus strand). VCF-style: chrX-53625162-C-T. GRCh37 (hg19) VCF-style: chrX-53652123-C-T.
Other names: short protein forms R529Q.
Identifiers: ClinVar variation 3337167 (VCV003337167.2).
Genomic context (GRCh38, chrX:53,625,162, plus strand): 5'-CCAATCTTTGAGAGAGTAAAATATCCTCCAAAAAAAGTTATCTGGAATCAAATACCATGT[C>T]GTATGCCATCTGAGAAAGCAGGGTCTTGGATGGCCTTCTTGAGGAAATTCAACATGGATT-3'
Protein context (NP_113584.3, residues 519-539): IQDPAFSDGI[Arg529Gln]HVMDGSLPTS

ClinVar aggregate classification (germline): Uncertain significance. Review status: criteria provided, multiple submitters, no conflicts (2 of 4 stars). 2 submissions from 2 submitters: Uncertain significance (2). Last evaluated 2025-11-24.

Submissions (2):

Greenwood Genetic Center Diagnostic Laboratories, Greenwood Genetic Center
Classification: Uncertain significance. Last evaluated: 2025-11-24. Review status: criteria provided, single submitter. Criteria: ACMG Guidelines, 2015. Collection method: clinical testing. Allele origin: germline. Affected: yes.
Comment: PM2

Clinical Genetics Laboratory, Skane University Hospital Lund
Classification: Uncertain significance. Last evaluated: 2022-05-27. Review status: criteria provided, single submitter. Criteria: ACMG Guidelines, 2015. Collection method: clinical testing. Allele origin: germline. Affected: yes.